The following is an entry in ClinVar:

ClinVar aggregate classification (germline): Pathogenic (1 of 4 stars; one submission).

Submission:

Labcorp Genetics (formerly Invitae), Labcorp
Classification: Pathogenic. Last evaluated: 2024-01-24. Review status: criteria provided, single submitter. Criteria: Invitae Variant Classification Sherloc (09022015). Collection method: clinical testing. Allele origin: germline.
Comment: This sequence change creates a premature translational stop signal (p.Arg14Lysfs*13) in the LCA5 gene. It is expected to result in an absent or disrupted protein product. Loss-of-function variants in LCA5 are known to be pathogenic (PMID: 17546029, 23946133). This variant is not present in population databases (gnomAD no frequency). This variant has not been reported in the literature in individuals affected with LCA5-related conditions. For these reasons, this variant has been classified as Pathogenic.

Literature cited by the submitters: PubMed 17546029; PubMed 23946133.

NM_001122769.3(LCA5):c.40dup (p.Arg14fs)

Gene: LCA5 (lebercilin LCA5; minus strand). Cytogenetic location: 6q14.1.
Variant type: Duplication.
Coding change: c.40dup on transcript NM_001122769.3 (MANE Select); coding-DNA position 40, one base duplicated (A; older notation c.40dupA).
Protein change: p.Arg14fs; shifts the reading frame from arginine 14.
Molecular consequence: frameshift variant.
Genome position (GRCh38, 1-based): chr6:79,518,855, T duplicated on the plus strand (A on the coding strand, the reverse complement: LCA5 is on the minus strand); the first of 3 consecutive T bases (chr6:79,518,855-79,518,857); duplicating any one gives the same sequence. VCF-style (leftmost placement, unchanged base first): chr6-79518854-C-CT. GRCh37 (hg19) VCF-style: chr6-80228571-C-CT.
Other names: c.40dup, p.Arg14fs (NM_181714.4); short protein forms R14fs.
Identifiers: ClinVar variation 2711064 (VCV002711064.3), dbSNP rs2533451791, ClinGen allele CA2697553585.
Genomic context (GRCh38, chr6:79,518,854, plus strand): 5'-CCAGAAGACTGTGGCGTTTCAAAATCAGATAAGTAAGAATAATGGTGTTTGCCTGCCTTT[C>CT]TTTCTTGATCAGTACCTGGACTTCCTGCTCTTTCCCCCATTGTTTTGAAAAATGGTCTCT-3'